The following is an entry in ClinVar:

NM_000057.4(BLM):c.2380A>G (p.Ile794Val)

Gene: BLM (BLM RecQ like helicase; plus strand). Cytogenetic location: 15q26.1.
Variant type: single nucleotide variant.
Coding change: c.2380A>G on transcript NM_000057.4 (MANE Select); coding-DNA position 2380, A replaced by G.
Protein change: p.Ile794Val; replaces isoleucine 794 with valine.
Molecular consequence: missense variant.
Genome position (GRCh38, 1-based): chr15:90,769,205, A>G. VCF-style: chr15-90769205-A-G. GRCh37 (hg19) VCF-style: chr15-91312435-A-G.
Other names: c.2380A>G, p.Ile794Val (NM_001287246.2, NM_001287247.2); c.1255A>G, p.Ile419Val (NM_001287248.2); short protein forms I419V, I794V.
Identifiers: ClinVar variation 5032869 (VCV005032869.1).

ClinVar aggregate classification (germline): Uncertain significance (1 of 4 stars; one submission).

Conditions:
Hereditary cancer-predisposing syndrome. Also called: Neoplastic Syndromes, Hereditary; Tumor predisposition; Hereditary neoplastic syndrome; Hereditary Cancer Syndrome. Identifiers: Orphanet 140162, MedGen C0027672, MeSH D009386, MONDO:0015356.

Submission:

Ambry Genetics
Classification: Uncertain significance for Hereditary cancer-predisposing syndrome. Last evaluated: 2026-06-22. Review status: criteria provided, single submitter. Criteria: Ambry Variant Classification Scheme 2023. Collection method: clinical testing. Allele origin: germline.
Comment: The p.I794V variant (also known as c.2380A>G), located in coding exon 10 of the BLM gene, results from an A to G substitution at nucleotide position 2380. The isoleucine at codon 794 is replaced by valine, an amino acid with highly similar properties. This amino acid position is conserved. In addition, the in silico prediction for this alteration is inconclusive. Based on the available evidence, the clinical significance of this variant remains unclear.